The following is an entry in ClinVar:

NM_032620.4(GTPBP3):c.808+3G>A

Gene: GTPBP3 (GTP binding protein 3, mitochondrial; plus strand). Cytogenetic location: 19p13.11.
Variant type: single nucleotide variant.
Coding change: c.808+3G>A on transcript NM_032620.4 (MANE Select); 3 bases into the intron after coding-DNA position 808, G replaced by A.
Molecular consequence: intron variant.
Genome position (GRCh38, 1-based): chr19:17,339,269, G>A. VCF-style: chr19-17339269-G-A. GRCh37 (hg19) VCF-style: chr19-17450078-G-A.
Other names: c.808+3G>A (NM_001128855.3); c.874+3G>A (NM_001195422.1); c.904+3G>A (NM_133644.4).
Identifiers: ClinVar variation 1522395 (VCV001522395.4), dbSNP rs759934387, ClinGen allele CA9293510.

ClinVar aggregate classification (germline): Uncertain significance (1 of 4 stars; one submission).

Allele frequency attached by ClinVar (database versions not stated): TOPMed below 0.00001; gnomAD 0.00001; gnomAD exomes 0.00002 and 0.00006; ExAC 0.00008; 1000 Genomes Project 30x 0.00016.
gnomAD v4.1: 31 of 1,599,002 alleles (0.0019%); highest among the groups gnomAD compares: South Asian, 0.019%; no homozygotes.

Submission:

Labcorp Genetics (formerly Invitae), Labcorp
Classification: Uncertain significance. Last evaluated: 2024-04-12. Review status: criteria provided, single submitter. Criteria: Invitae Variant Classification Sherloc (09022015). Collection method: clinical testing. Allele origin: germline.
Comment: This sequence change falls in intron 5 of the GTPBP3 gene. It does not directly change the encoded amino acid sequence of the GTPBP3 protein. It affects a nucleotide within the consensus splice site. This variant is present in population databases (rs759934387, gnomAD 0.04%). This variant has not been reported in the literature in individuals affected with GTPBP3-related conditions. ClinVar contains an entry for this variant (Variation ID: 1522395). Variants that disrupt the consensus splice site are a relatively common cause of aberrant splicing (PMID: 17576681, 9536098). Algorithms developed to predict the effect of sequence changes on RNA splicing suggest that this variant is not likely to affect RNA splicing. In summary, the available evidence is currently insufficient to determine the role of this variant in disease. Therefore, it has been classified as a Variant of Uncertain Significance.

Literature cited by the submitters: PubMed 17576681; PubMed 9536098.